The following is an entry in ClinVar:

ClinVar aggregate classification (germline): Uncertain significance (1 of 4 stars; one submission).

Conditions:
Hereditary cancer-predisposing syndrome. Also called: Neoplastic Syndromes, Hereditary; Tumor predisposition; Hereditary Cancer Syndrome; Hereditary neoplastic syndrome. Identifiers: Orphanet 140162, MedGen C0027672, MeSH D009386, MONDO:0015356.

Submission:

Ambry Genetics
Classification: Uncertain significance for Hereditary cancer-predisposing syndrome. Last evaluated: 2020-11-17. Review status: criteria provided, single submitter. Criteria: Ambry Variant Classification Scheme 2023. Collection method: clinical testing. Allele origin: germline.
Comment: The p.P338R variant (also known as c.1013C>G), located in coding exon 9 of the NBN gene, results from a C to G substitution at nucleotide position 1013. The proline at codon 338 is replaced by arginine, an amino acid with dissimilar properties. This amino acid position is well conserved in available vertebrate species. In addition, this alteration is predicted to be tolerated by in silico analysis. Since supporting evidence is limited at this time, the clinical significance of this alteration remains unclear.

NM_002485.5(NBN):c.1013C>G (p.Pro338Arg)

Gene: NBN (nibrin; minus strand). Cytogenetic location: 8q21.3.
Variant type: single nucleotide variant.
Coding change: c.1013C>G on transcript NM_002485.5 (MANE Select); coding-DNA position 1013, C replaced by G.
Protein change: p.Pro338Arg; replaces proline 338 with arginine.
Molecular consequence: missense variant.
Genome position (GRCh38, 1-based): chr8:89,958,836, G>C on the plus strand (C>G on the coding strand, the complement: NBN is on the minus strand). VCF-style: chr8-89958836-G-C. GRCh37 (hg19) VCF-style: chr8-90971064-G-C.
Other names: c.767C>G, p.Pro256Arg (NM_001024688.3); short protein forms P256R, P338R.
Identifiers: ClinVar variation 1736292 (VCV001736292.2), dbSNP rs2129746873, ClinGen allele CA371656785.